The following is an entry in ClinVar:

ClinVar aggregate classification (germline): Uncertain significance. Review status: criteria provided, multiple submitters, no conflicts (2 of 4 stars). 3 submissions from 3 submitters: Uncertain significance (2). 1 of the submissions does not count toward it. Last evaluated 2023-10-03.

Conditions:
ALG6-congenital disorder of glycosylation 1C (CDG1C). Also called: CDG Ic; Congenital disorder of glycosylation, type Ic; CARBOHYDRATE-DEFICIENT GLYCOPROTEIN SYNDROME, TYPE I, WITH DEFICIENT GLYCOSYLATION OF DOLICHOL-LINKED OLIGOSACCHARIDE; CARBOHYDRATE-DEFICIENT GLYCOPROTEIN SYNDROME, TYPE V; Congenital disorder of glycosylation type 1C. Identifiers: Orphanet 79320, MedGen C2930997, MONDO:0011291, OMIM 603147.

Allele frequency attached by ClinVar (database versions not stated): gnomAD 0.00001; gnomAD exomes 0.00001; ExAC 0.00002; 1000 Genomes Project 30x 0.00031.

Submissions (3):

Labcorp Genetics (formerly Invitae), Labcorp
Classification: Uncertain significance for ALG6-congenital disorder of glycosylation 1C. Last evaluated: 2023-10-03. Review status: criteria provided, single submitter. Criteria: Invitae Variant Classification Sherloc (09022015). Collection method: clinical testing. Allele origin: germline.
Comment: This sequence change disrupts the translational stop signal of the ALG6 mRNA. It is expected to extend the length of the ALG6 protein by 9 additional amino acid residues. This variant is present in population databases (rs759636698, gnomAD 0.01%). This variant has not been reported in the literature in individuals affected with ALG6-related conditions. ClinVar contains an entry for this variant (Variation ID: 551272). In summary, the available evidence is currently insufficient to determine the role of this variant in disease. Therefore, it has been classified as a Variant of Uncertain Significance.

Fulgent Genetics
Classification: Uncertain significance for ALG6-congenital disorder of glycosylation 1C. Last evaluated: 2022-04-02. Review status: criteria provided, single submitter. Criteria: ACMG Guidelines, 2015. Collection method: clinical testing. Allele origin: unknown.

Counsyl
Classification: Uncertain significance for ALG6-congenital disorder of glycosylation 1C. Last evaluated: 2017-03-29. Review status: no assertion criteria provided. Collection method: clinical testing. Allele origin: unknown. Not counted in ClinVar's aggregate classification.

NM_013339.4(ALG6):c.1524del (p.Ter508TyrextTer?)

Gene: ALG6 (ALG6 alpha-1,3-glucosyltransferase; plus strand). Cytogenetic location: 1p31.3.
Variant type: Deletion.
Coding change: c.1524del on transcript NM_013339.4 (MANE Select); coding-DNA position 1524, one base deleted (G; older notation c.1524delG).
Protein change: p.Ter508TyrextTer?.
Molecular consequence: frameshift variant, stop lost.
Genome position (GRCh38, 1-based): chr1:63,437,020, G deleted. VCF-style (leftmost placement, unchanged base first): chr1-63437019-AG-A. GRCh37 (hg19) VCF-style: chr1-63902690-AG-A.
Other names: c.1524del, p.Ter508TyrextTer? (LRG_1260t1).
Identifiers: ClinVar variation 551272 (VCV000551272.9), dbSNP rs759636698, ClinGen allele CA888460.
Genomic context (GRCh38, chr1:63,437,019, plus strand): 5'-ACTTTAACATTATTATTATGTGGGATTCCAAAAGTGGAAGAAATCAGAAGAAAATCAGCT[AG>A]CTGTATTCCTAAACAAATTGTTTCCTAAACAAATGTGAAAATGTGAACAGTGCTGAAAGG-3'